The following is an entry in ClinVar:

NM_003848.4(SUCLG2):c.127T>C (p.Tyr43His)

Gene: SUCLG2 (succinate-CoA ligase GDP-forming subunit beta; minus strand). Cytogenetic location: 3p14.1.
Variant type: single nucleotide variant.
Coding change: c.127T>C on transcript NM_003848.4 (MANE Select); coding-DNA position 127, T replaced by C.
Protein change: p.Tyr43His; replaces tyrosine 43 with histidine.
Molecular consequence: missense variant.
Genome position (GRCh38, 1-based): chr3:67,609,554, A>G on the plus strand (T>C on the coding strand, the complement: SUCLG2 is on the minus strand). VCF-style: chr3-67609554-A-G. GRCh37 (hg19) VCF-style: chr3-67659978-A-G.
Other names: c.127T>C, p.Tyr43His (NM_001177599.2); short protein forms Y43H.
Identifiers: ClinVar variation 3451096 (VCV003451096.2).

ClinVar aggregate classification (germline): Uncertain significance. Review status: criteria provided, multiple submitters, no conflicts (2 of 4 stars). 2 submissions from 2 submitters: Uncertain significance (2). Last evaluated 2025-05-14.

gnomAD v4.1: 181 of 1,613,796 alleles (0.011%); highest among the groups gnomAD compares: Non-Finnish European, 0.015%; 1 homozygote.

Submissions (2):

Labcorp Genetics (formerly Invitae), Labcorp
Classification: Uncertain significance. Last evaluated: 2025-05-14. Review status: criteria provided, single submitter. Criteria: Invitae Variant Classification Sherloc (09022015). Collection method: clinical testing. Allele origin: germline.
Comment: This sequence change replaces tyrosine, which is neutral and polar, with histidine, which is basic and polar, at codon 43 of the SUCLG2 protein (p.Tyr43His). This variant is present in population databases (rs376441279, gnomAD 0.02%). This variant has not been reported in the literature in individuals affected with SUCLG2-related conditions. ClinVar contains an entry for this variant (Variation ID: 3451096). An algorithm developed to predict the effect of missense changes on protein structure and function (PolyPhen-2) suggests that this variant is likely to be disruptive. In summary, the available evidence is currently insufficient to determine the role of this variant in disease. Therefore, it has been classified as a Variant of Uncertain Significance.

Ambry Genetics
Classification: Uncertain significance. Last evaluated: 2024-10-20. Review status: criteria provided, single submitter. Criteria: Ambry Variant Classification Scheme 2023. Collection method: clinical testing. Allele origin: germline.